The following is an entry in ClinVar:

NM_014813.3(LRIG2):c.1638G>A (p.Glu546=)

Gene: LRIG2 (leucine rich repeats and immunoglobulin like domains 2; plus strand). Cytogenetic location: 1p13.2.
Variant type: single nucleotide variant.
Coding change: c.1638G>A on transcript NM_014813.3 (MANE Select); coding-DNA position 1638, G replaced by A.
Protein change: p.Glu546=; no amino-acid change (glutamic acid 546 retained).
Molecular consequence: synonymous variant.
Genome position (GRCh38, 1-based): chr1:113,110,402, G>A. VCF-style: chr1-113110402-G-A. GRCh37 (hg19) VCF-style: chr1-113653024-G-A.
Other names: c.1329G>A, p.Glu443= (NM_001312686.2).
Identifiers: ClinVar variation 4991452 (VCV004991452.1).

ClinVar aggregate classification (germline): Likely benign (1 of 4 stars; one submission).

Conditions:
LRIG2-related disorder. Also called: LRIG2-related condition.

gnomAD v4.1: 544 of 1,614,198 alleles (0.034%); highest among the groups gnomAD compares: South Asian, 0.51%; 5 homozygotes.

Submission:

PreventionGenetics, part of Exact Sciences
Classification: Likely benign for LRIG2-related condition. Last evaluated: 2025-10-27. Review status: criteria provided, single submitter. Criteria: ACMG Guidelines, 2015. Collection method: clinical testing. Allele origin: germline.
Comment: This variant is classified as likely benign based on ACMG/AMP sequence variant interpretation guidelines (Richards et al. 2015 PMID: 25741868, with internal and published modifications).